The following is an entry in ClinVar:

ClinVar aggregate classification (germline): Uncertain significance (1 of 4 stars; one submission).

Allele frequency attached by ClinVar (database versions not stated): gnomAD exomes below 0.00001.
gnomAD v4.1: 2 of 1,399,006 alleles (0.00014%); highest among the groups gnomAD compares: Non-Finnish European, 0.000093%; no homozygotes.

Submission:

Labcorp Genetics (formerly Invitae), Labcorp
Classification: Uncertain significance. Last evaluated: 2023-01-30. Review status: criteria provided, single submitter. Criteria: Invitae Variant Classification Sherloc (09022015). Collection method: clinical testing. Allele origin: germline.
Comment: This sequence change replaces glutamine, which is neutral and polar, with arginine, which is basic and polar, at codon 514 of the ARID1B protein (p.Gln514Arg). This variant is not present in population databases (gnomAD no frequency). This variant has not been reported in the literature in individuals affected with ARID1B-related conditions. Algorithms developed to predict the effect of missense changes on protein structure and function (SIFT, PolyPhen-2, Align-GVGD) all suggest that this variant is likely to be tolerated. Algorithms developed to predict the effect of sequence changes on RNA splicing suggest that this variant may disrupt the consensus splice site. In summary, the available evidence is currently insufficient to determine the role of this variant in disease. Therefore, it has been classified as a Variant of Uncertain Significance.

NM_001374828.1(ARID1B):c.1790A>G (p.Gln597Arg)

Gene: ARID1B (AT-rich interaction domain 1B; plus strand). Cytogenetic location: 6q25.3.
Variant type: single nucleotide variant.
Coding change: c.1790A>G on transcript NM_001374828.1 (MANE Select); coding-DNA position 1790, A replaced by G.
Protein change: p.Gln597Arg; replaces glutamine 597 with arginine.
Molecular consequence: missense variant.
Genome position (GRCh38, 1-based): chr6:156,779,470, A>G. VCF-style: chr6-156779470-A-G. GRCh37 (hg19) VCF-style: chr6-157100604-A-G.
Other names: c.1541A>G, p.Gln514Arg (NM_001346813.1, NM_020732.3); c.1790A>G, p.Gln597Arg (NM_001371656.1, NM_001374820.1, NM_017519.3); c.1367A>G, p.Gln456Arg (NM_175863.2); short protein forms Q514R, Q456R, Q597R.
Identifiers: ClinVar variation 2832947 (VCV002832947.3), dbSNP rs2546847372, ClinGen allele CA366385804.